The following is an entry in ClinVar:

ClinVar aggregate classification (germline): Uncertain significance. Review status: criteria provided, multiple submitters, no conflicts (2 of 4 stars). 2 submissions from 2 submitters: Uncertain significance (2). Last evaluated 2025-08-10.

Conditions:
Developmental and epileptic encephalopathy, 27 (DEE27). Also called: GRIN2B-Related Neurodevelopmental Disorder; Epileptic encephalopathy, early infantile, 27. Identifiers: Orphanet 3451, MedGen C4015316, MONDO:0014505, OMIM 616139.
Intellectual developmental disorder, autosomal dominant 6, with or without seizures. Also called: Intellectual disability, autosomal dominant 6; GRIN2B-related developmental delay, intellectual disability and autism spectrum disorder. Identifiers: Orphanet 589547, MedGen C3151411, MONDO:0013509, OMIM 613970.
Inborn genetic diseases. Identifiers: MedGen C0950123, MeSH D030342.

gnomAD v4.1: 1 of 1,612,876 alleles (0.000062%); highest among the groups gnomAD compares: Admixed American, 0.0017%; no homozygotes.

Submissions (2):

Ambry Genetics
Classification: Uncertain significance for Inborn genetic diseases. Last evaluated: 2025-08-10. Review status: criteria provided, single submitter. Criteria: Ambry Variant Classification Scheme 2023. Collection method: clinical testing. Allele origin: germline.

Labcorp Genetics (formerly Invitae), Labcorp
Classification: Uncertain significance for Developmental and epileptic encephalopathy, 27; Intellectual developmental disorder, autosomal dominant 6, with or without seizures. Last evaluated: 2025-05-11. Review status: criteria provided, single submitter. Criteria: Invitae Variant Classification Sherloc (09022015). Collection method: clinical testing. Allele origin: germline.
Comment: This sequence change replaces aspartic acid, which is acidic and polar, with glutamic acid, which is acidic and polar, at codon 1153 of the GRIN2B protein (p.Asp1153Glu). This variant is not present in population databases (gnomAD no frequency). This variant has not been reported in the literature in individuals affected with GRIN2B-related conditions. ClinVar contains an entry for this variant (Variation ID: 2059715). Invitae Evidence Modeling of protein sequence and biophysical properties (such as structural, functional, and spatial information, amino acid conservation, physicochemical variation, residue mobility, and thermodynamic stability) indicates that this missense variant is not expected to disrupt GRIN2B protein function with a negative predictive value of 95%. In summary, the available evidence is currently insufficient to determine the role of this variant in disease. Therefore, it has been classified as a Variant of Uncertain Significance.

NM_000834.5(GRIN2B):c.3459C>A (p.Asp1153Glu)

Gene: GRIN2B (glutamate ionotropic receptor NMDA type subunit 2B; minus strand). Cytogenetic location: 12p13.1.
Variant type: single nucleotide variant.
Coding change: c.3459C>A on transcript NM_000834.5 (MANE Select); coding-DNA position 3459, C replaced by A.
Protein change: p.Asp1153Glu; replaces aspartic acid 1153 with glutamic acid.
Molecular consequence: missense variant.
Genome position (GRCh38, 1-based): chr12:13,563,779, G>T on the plus strand (C>A on the coding strand, the complement: GRIN2B is on the minus strand). VCF-style: chr12-13563779-G-T. GRCh37 (hg19) VCF-style: chr12-13716713-G-T.
Other names: c.3459C>A, p.Asp1153Glu (NM_001413992.1); c.3459C>A (NM_000834.3); short protein forms D1153E.
Identifiers: ClinVar variation 2059715 (VCV002059715.5), dbSNP rs1385282412, ClinGen allele CA383989202.
Genomic context (GRCh38, chr12:13,563,779, plus strand): 5'-ACAGGGCCCTCCTCCGCTGACGGAGTCGCGCTTAAAGTCATCACTCCGCTCCTTGTAGAT[G>T]TCGGTCAGGTCTACGTGCTCCCAGTGGGGTGAGTTCTCCTTTGTTCGGAACTGGTCCAGG-3'
Protein context (NP_000825.2, residues 1143-1163): SPHWEHVDLT[Asp1153Glu]IYKERSDDFK